The following is an entry in ClinVar:

NM_005901.6(SMAD2):c.1285C>G (p.Gln429Glu)

Gene: SMAD2 (SMAD family member 2; minus strand). Cytogenetic location: 18q21.1.
Variant type: single nucleotide variant.
Coding change: c.1285C>G on transcript NM_005901.6 (MANE Select); coding-DNA position 1285, C replaced by G.
Protein change: p.Gln429Glu; replaces glutamine 429 with glutamic acid.
Molecular consequence: missense variant.
Genome position (GRCh38, 1-based): chr18:47,841,946, G>C on the plus strand (C>G on the coding strand, the complement: SMAD2 is on the minus strand). VCF-style: chr18-47841946-G-C. GRCh37 (hg19) VCF-style: chr18-45368317-G-C.
Other names: c.1285C>G, p.Gln429Glu (NM_001003652.4); c.1195C>G, p.Gln399Glu (NM_001135937.3); short protein forms Q399E, Q429E.
Identifiers: ClinVar variation 1914906 (VCV001914906.5), dbSNP rs1420438415, ClinGen allele CA402502743.
Genomic context (GRCh38, chr18:47,841,946, plus strand): 5'-ACCACTGTAGAGGTCCATTCAGATGAAGTTCAATCCAGCAAGGAGTACTTGTTACCGTCT[G>C]CCTTCTGTTTAAAAGAATACAGGAAAATGATTATGAAATTCAAGTCCACAGGCAGGGAAA-3'
Protein context (NP_005892.1, residues 419-439): VKGWGAEYRR[Gln429Glu]TVTSTPCWIE

ClinVar aggregate classification (germline): Uncertain significance (1 of 4 stars; one submission).

Submission:

Labcorp Genetics (formerly Invitae), Labcorp
Classification: Uncertain significance. Last evaluated: 2023-07-29. Review status: criteria provided, single submitter. Criteria: Invitae Variant Classification Sherloc (09022015). Collection method: clinical testing. Allele origin: germline.
Comment: In summary, the available evidence is currently insufficient to determine the role of this variant in disease. Therefore, it has been classified as a Variant of Uncertain Significance. Advanced modeling of protein sequence and biophysical properties (such as structural, functional, and spatial information, amino acid conservation, physicochemical variation, residue mobility, and thermodynamic stability) performed at Invitae indicates that this missense variant is expected to disrupt SMAD2 protein function. ClinVar contains an entry for this variant (Variation ID: 1914906). This variant has not been reported in the literature in individuals affected with SMAD2-related conditions. This variant is not present in population databases (gnomAD no frequency). This sequence change replaces glutamine, which is neutral and polar, with glutamic acid, which is acidic and polar, at codon 429 of the SMAD2 protein (p.Gln429Glu).